The following is an entry in ClinVar:

NM_001626.6(AKT2):c.93C>T (p.Ser31=)

Gene: AKT2 (AKT serine/threonine kinase 2; minus strand). Cytogenetic location: 19q13.2.
Variant type: single nucleotide variant.
Coding change: c.93C>T on transcript NM_001626.6 (MANE Select); coding-DNA position 93, C replaced by T.
Protein change: p.Ser31=; no amino-acid change (serine 31 retained).
Molecular consequence: synonymous variant. On other transcripts: 5 prime UTR variant (2).
Genome position (GRCh38, 1-based): chr19:40,257,008, G>A on the plus strand (C>T on the coding strand, the complement: AKT2 is on the minus strand). VCF-style: chr19-40257008-G-A. GRCh37 (hg19) VCF-style: chr19-40762915-G-A.
Other names: c.93C>T, p.Ser31= (LRG_1391t1, NM_001330511.1); c.-94C>T (NM_001243027.3, NM_001243028.3).
Identifiers: ClinVar variation 434118 (VCV000434118.46), dbSNP rs35588791, ClinGen allele CA9441991.
Genomic context (GRCh38, chr19:40,257,008, plus strand): 5'-GGGGGGTAGAGTCTGATCAGGGGCCTCGGGCCTCTCCTTGTACCCAATGAAGGAGCCGTC[G>A]CTCTTCAGCAGGAAGTACCGTGGCCTCCAGGTCTTGATGTATTCACCTGAAATGAGGCAG-3'
Protein context (NP_001617.1, residues 21-41): TWRPRYFLLK[Ser31=]DGSFIGYKER

ClinVar aggregate classification (germline): Benign/Likely benign. Review status: criteria provided, multiple submitters, no conflicts (2 of 4 stars). 8 submissions from 8 submitters: Benign (4); Likely benign (2). 2 of the submissions do not count toward it. Last evaluated 2026-03-01.

Conditions:
Hypoinsulinemic hypoglycemia and body hemihypertrophy. Also called: Hypoinsulinemic hypoglycemia and hemihypertrophy. Identifiers: Orphanet 293964, MedGen C3278384, MONDO:0009416, OMIM 240900.
Type 2 diabetes mellitus. Also called: Type II diabetes mellitus. Identifiers: MedGen C0011860, MeSH D003924, MONDO:0005148, OMIM 125853, HP:0005978.

Allele frequency attached by ClinVar (database versions not stated): 1000 Genomes Project 30x 0.00422; 1000 Genomes Project 0.00439; gnomAD exomes 0.00441 and 0.00357; gnomAD 0.00270 and 0.00295; ESP Exome Variant Server 0.00284; TOPMed 0.00292; ExAC 0.00369.
gnomAD v4.1: 6,859 of 1,614,128 alleles (0.42%); highest among the groups gnomAD compares: South Asian, 1.1%; 38 homozygotes.

Submissions (8):

CeGaT Center for Human Genetics Tuebingen
Classification: Benign. Last evaluated: 2026-03-01. Review status: criteria provided, single submitter. Criteria: CeGaT Center For Human Genetics Tuebingen Variant Classification Criteria Version 2. Collection method: clinical testing. Allele origin: germline. Affected: yes. Observed: 2 variant alleles.
Comment: AKT2: BP4, BP7, BS1, BS2

Labcorp Genetics (formerly Invitae), Labcorp
Classification: Benign for Hypoinsulinemic hypoglycemia and body hemihypertrophy; Type 2 diabetes mellitus. Last evaluated: 2026-01-22. Review status: criteria provided, single submitter. Criteria: Invitae Variant Classification Sherloc (09022015). Collection method: clinical testing. Allele origin: germline.

Blueprint Genetics
Classification: Likely benign. Last evaluated: 2024-11-27. Review status: criteria provided, single submitter. Criteria: ACMG Guidelines, 2015. Collection method: clinical testing. Allele origin: germline.

Genetic Services Laboratory, University of Chicago
Classification: Benign. Last evaluated: 2019-06-25. Review status: criteria provided, single submitter. Criteria: ACMG Guidelines, 2015. Collection method: clinical testing. Allele origin: germline. Affected: no.

Breakthrough Genomics
Classification: Benign. Review status: criteria provided, single submitter. Criteria: ACMG Guidelines, 2015. Collection method: not provided. Allele origin: germline. Inheritance: Autosomal dominant inheritance. Affected: yes.

Clinical Genomics, Uppaluri K&H Personalized Medicine Clinic
Classification: Likely benign for Type 2 diabetes mellitus. Review status: criteria provided, single submitter. Criteria: K And H Uppaluri Personalized Medicine Clinic Variant Classification And Assertion Criteria Updated V 2. Collection method: research. Allele origin: unknown. Inheritance: Autosomal dominant inheritance.
Comment: Potent mutationsin AKT2 gene are associated with familial partial lipodystrophy and in terms of metabolic abnormality, can present with insulin resistance, hyperglycemia and Diabetes. In, silico analysis revealed that this particular rs35588791 is prevalent with Type 2 Diabetes

Clinical Genetics DNA and cytogenetics Diagnostics Lab, Erasmus MC, Erasmus Medical Center
Classification: Benign. Review status: no assertion criteria provided. Collection method: clinical testing. Allele origin: germline. Affected: yes. Study: VKGL Data-share Consensus. Not counted in ClinVar's aggregate classification.

Diagnostic Laboratory, Department of Genetics, University Medical Center Groningen
Classification: Likely benign. Review status: no assertion criteria provided. Collection method: clinical testing. Allele origin: germline. Affected: yes. Study: VKGL Data-share Consensus. Not counted in ClinVar's aggregate classification.

Literature cited by the submitters: PubMed 33848288 (cited by Clinical Genomics, Uppaluri K&H Personalized Medicine Clinic).